The following is an entry in ClinVar:

ClinVar aggregate classification (germline): Likely benign (1 of 4 stars; one submission).

Allele frequency attached by ClinVar (database versions not stated): gnomAD exomes below 0.00001; ExAC 0.00001.
gnomAD v4.1: 1 of 1,614,004 alleles (0.000062%); highest among the groups gnomAD compares: South Asian, 0.0011%; no homozygotes.

Submission:

CeGaT Center for Human Genetics Tuebingen
Classification: Likely benign. Last evaluated: 2023-10-01. Review status: criteria provided, single submitter. Criteria: CeGaT Center For Human Genetics Tuebingen Variant Classification Criteria Version 2. Collection method: clinical testing. Allele origin: germline. Affected: yes. Observed: 1 variant allele.
Comment: ARID1A: BP4, BP7

NM_006015.6(ARID1A):c.1473C>T (p.Ser491=)

Gene: ARID1A (AT-rich interaction domain 1A; plus strand). Cytogenetic location: 1p36.11.
Variant type: single nucleotide variant.
Coding change: c.1473C>T on transcript NM_006015.6 (MANE Select); coding-DNA position 1473, C replaced by T.
Protein change: p.Ser491=; no amino-acid change (serine 491 retained).
Molecular consequence: synonymous variant.
Genome position (GRCh38, 1-based): chr1:26,731,274, C>T. VCF-style: chr1-26731274-C-T. GRCh37 (hg19) VCF-style: chr1-27057765-C-T.
Other names: c.1473C>T, p.Ser491= (NM_139135.4).
Identifiers: ClinVar variation 2638531 (VCV002638531.24), dbSNP rs748065625, ClinGen allele CA706788.